The following is an entry in ClinVar:

NM_001363711.2(DUOX2):c.2786G>A (p.Arg929Gln)

Gene: DUOX2 (dual oxidase 2; minus strand). Cytogenetic location: 15q21.1.
Variant type: single nucleotide variant.
Coding change: c.2786G>A on transcript NM_001363711.2 (MANE Select); coding-DNA position 2786, G replaced by A.
Protein change: p.Arg929Gln; replaces arginine 929 with glutamine.
Molecular consequence: missense variant.
Genome position (GRCh38, 1-based): chr15:45,101,858, C>T on the plus strand (G>A on the coding strand, the complement: DUOX2 is on the minus strand). VCF-style: chr15-45101858-C-T. GRCh37 (hg19) VCF-style: chr15-45394056-C-T.
Other names: c.2786G>A, p.Arg929Gln (NM_014080.5); short protein forms R929Q.
Identifiers: ClinVar variation 1934449 (VCV001934449.5), dbSNP rs758658470, ClinGen allele CA7538152.

ClinVar aggregate classification (germline): Uncertain significance (1 of 4 stars; one submission).

Allele frequency attached by ClinVar (database versions not stated): ExAC 0.00001; gnomAD 0.00001.

Submission:

Labcorp Genetics (formerly Invitae), Labcorp
Classification: Uncertain significance. Last evaluated: 2025-08-17. Review status: criteria provided, single submitter. Criteria: Invitae Variant Classification Sherloc (09022015). Collection method: clinical testing. Allele origin: germline.
Comment: This sequence change replaces arginine, which is basic and polar, with glutamine, which is neutral and polar, at codon 929 of the DUOX2 protein (p.Arg929Gln). This variant is present in population databases (rs758658470, gnomAD 0.006%). This variant has not been reported in the literature in individuals affected with DUOX2-related conditions. ClinVar contains an entry for this variant (Variation ID: 1934449). Invitae Evidence Modeling of protein sequence and biophysical properties (such as structural, functional, and spatial information, amino acid conservation, physicochemical variation, residue mobility, and thermodynamic stability) indicates that this missense variant is not expected to disrupt DUOX2 protein function with a negative predictive value of 80%. In summary, the available evidence is currently insufficient to determine the role of this variant in disease. Therefore, it has been classified as a Variant of Uncertain Significance.